The following is an entry in ClinVar:

ClinVar aggregate classification (germline): Uncertain significance. Review status: criteria provided, multiple submitters, no conflicts (2 of 4 stars). 2 submissions from 2 submitters: Uncertain significance (2). Last evaluated 2025-12-14.

Conditions:
Inborn genetic diseases. Identifiers: MedGen C0950123, MeSH D030342.
Atrial fibrillation, familial, 11 (ATFB11). Identifiers: MedGen C3279693, MONDO:0013544, OMIM 614049.
Atrial standstill 1 (ATRST1). Also called: ATRIAL CARDIOMYOPATHY WITH HEART BLOCK; CARDIOMYOPATHY, FAMILIAL, WITH CONDUCTION DISTURBANCE; Atrial standstill, digenic (GJA5/SCN5A). Identifiers: Orphanet 1344, MedGen C4551959, MONDO:0007171, OMIM 108770.

Allele frequency attached by ClinVar (database versions not stated): gnomAD exomes 0.00002; ExAC 0.00003; gnomAD 0.00005 and 0.00007; ESP Exome Variant Server 0.00008; TOPMed 0.00014.
gnomAD v4.1: 24 of 1,614,028 alleles (0.0015%); highest among the groups gnomAD compares: Middle Eastern, 0.033%; 1 homozygote.

Submissions (2):

Labcorp Genetics (formerly Invitae), Labcorp
Classification: Uncertain significance for Atrial fibrillation, familial, 11; Atrial standstill 1. Last evaluated: 2025-12-14. Review status: criteria provided, single submitter. Criteria: Invitae Variant Classification Sherloc (09022015). Collection method: clinical testing. Allele origin: germline.
Comment: This sequence change replaces valine, which is neutral and non-polar, with isoleucine, which is neutral and non-polar, at codon 198 of the GJA5 protein (p.Val198Ile). This variant is present in population databases (rs371086800, gnomAD 0.02%). This variant has not been reported in the literature in individuals affected with GJA5-related conditions. ClinVar contains an entry for this variant (Variation ID: 859880). Invitae Evidence Modeling of protein sequence and biophysical properties (such as structural, functional, and spatial information, amino acid conservation, physicochemical variation, residue mobility, and thermodynamic stability) indicates that this missense variant is not expected to disrupt GJA5 protein function with a negative predictive value of 80%. In summary, the available evidence is currently insufficient to determine the role of this variant in disease. Therefore, it has been classified as a Variant of Uncertain Significance.

Ambry Genetics
Classification: Uncertain significance for Inborn genetic diseases. Last evaluated: 2024-08-14. Review status: criteria provided, single submitter. Criteria: Ambry Variant Classification Scheme 2023. Collection method: clinical testing. Allele origin: germline.

NM_181703.4(GJA5):c.592G>A (p.Val198Ile)

Genes: GJA5 (gap junction protein alpha 5; minus strand), LOC122128420 (Sharpr-MPRA regulatory region 3144; plus strand). Cytogenetic location: 1q21.2.
Variant type: single nucleotide variant.
Coding change: c.592G>A on transcript NM_181703.4 (MANE Select); coding-DNA position 592, G replaced by A.
Protein change: p.Val198Ile; replaces valine 198 with isoleucine.
Molecular consequence: missense variant.
Genome position (GRCh38, 1-based): chr1:147,758,647, C>T on the plus strand (G>A on the coding strand, the complement: GJA5 is on the minus strand). VCF-style: chr1-147758647-C-T. GRCh37 (hg19) VCF-style: chr1-147230755-C-T.
Other names: c.592G>A, p.Val198Ile (NM_005266.7); c.592G>A (NM_005266.5); short protein forms V198I.
Identifiers: ClinVar variation 859880 (VCV000859880.10), dbSNP rs371086800, ClinGen allele CA1065739.